The following is an entry in ClinVar:

ClinVar aggregate classification (germline): Uncertain significance (1 of 4 stars; one submission).

Conditions:
Familial renal glucosuria (GLYS). Also called: RENAL GLUCOSURIA, AUTOSOMAL DOMINANT; Familial renal glycosuria. Identifiers: Orphanet 69076, MedGen C3245525, MONDO:0009297, OMIM 233100.

Submission:

MVZ Medizinische Genetik Mainz
Classification: Uncertain significance for Familial renal glucosuria. Last evaluated: 2026-01-30. Review status: criteria provided, single submitter. Criteria: UK Practice Guidelines For Variant Classification V4 01 2020. Collection method: clinical testing. Allele origin: germline. Inheritance: Autosomal recessive inheritance. Affected: yes. Observed: 1 variant allele.
Comment: ACMG Criteria: PP4_MOD,PM2_SUP,PM5_SUP,PP3

NM_003041.4(SLC5A2):c.179G>A (p.Arg60His)

Gene: SLC5A2 (solute carrier family 5 member 2; plus strand). Cytogenetic location: 16p11.2.
Variant type: single nucleotide variant.
Coding change: c.179G>A on transcript NM_003041.4 (MANE Select); coding-DNA position 179, G replaced by A.
Protein change: p.Arg60His; replaces arginine 60 with histidine.
Molecular consequence: missense variant. On other transcripts: non-coding transcript variant (1).
Genome position (GRCh38, 1-based): chr16:31,484,725, G>A. VCF-style: chr16-31484725-G-A. GRCh37 (hg19) VCF-style: chr16-31496046-G-A.
Other names: short protein forms R60H.
Identifiers: ClinVar variation 4796797 (VCV004796797.1).